The following is an entry in ClinVar:

ClinVar aggregate classification (germline): Likely pathogenic (1 of 4 stars; one submission).

Conditions:
Immunodeficiency 104. Also called: Severe Combined Immune Deficiency, Autosomal Recessive, TCell -Negative, B Cell-Positive, NK Cell-Positive, IL7R-Related; Severe combined immunodeficiency, autosomal recessive, T cell-negative, B cell-positive, NK cell-positive; SCID, AUTOSOMAL RECESSIVE, T CELL-NEGATIVE, B CELL-POSITIVE, NK CELL-POSITIVE; IMMUNODEFICIENCY 104, SEVERE COMBINED. Identifiers: MedGen C5676890, MONDO:0012163, OMIM 608971.

Submission:

Labcorp Genetics (formerly Invitae), Labcorp
Classification: Likely pathogenic for Immunodeficiency 104. Last evaluated: 2021-11-15. Review status: criteria provided, single submitter. Criteria: Invitae Variant Classification Sherloc (09022015). Collection method: clinical testing. Allele origin: germline.
Comment: In summary, the currently available evidence indicates that the variant is pathogenic, but additional data are needed to prove that conclusively. Therefore, this variant has been classified as Likely Pathogenic. Algorithms developed to predict the effect of sequence changes on RNA splicing suggest that this variant may disrupt the consensus splice site. This variant has not been reported in the literature in individuals affected with PTPRC-related conditions. This variant is not present in population databases (gnomAD no frequency). This sequence change affects an acceptor splice site in intron 9 of the PTPRC gene. It is expected to disrupt RNA splicing. Variants that disrupt the donor or acceptor splice site typically lead to a loss of protein function (PMID: 16199547), and loss-of-function variants in PTPRC are known to be pathogenic (PMID: 10700239).

Literature cited by the submitters: PubMed 16199547; PubMed 10700239.

NM_002838.5(PTPRC):c.905-2A>G

Gene: PTPRC (protein tyrosine phosphatase receptor type C; plus strand). Cytogenetic location: 1q32.1.
Variant type: single nucleotide variant.
Coding change: c.905-2A>G on transcript NM_002838.5 (MANE Select); the canonical splice acceptor site of the intron before coding-DNA position 905, A replaced by G.
Molecular consequence: splice acceptor variant.
Genome position (GRCh38, 1-based): chr1:198,708,131, A>G. VCF-style: chr1-198708131-A-G. GRCh37 (hg19) VCF-style: chr1-198677260-A-G.
Other names: c.422-2A>G (NM_080921.4).
Identifiers: ClinVar variation 1468346 (VCV001468346.6), dbSNP rs2102415377, ClinGen allele CA344034369.
Genomic context (GRCh38, chr1:198,708,131, plus strand): 5'-TGAGGGCTTAGGATACACATTATGAAATACTAATCAAGTTTATTTCTGTATCTTCTTGTC[A>G]GGGGTTGAAAAGTTTCAGTTACATGATTGTACACAAGTTGAAAAAGCAGATACTACTATT-3'